The following is an entry in ClinVar:

NM_152296.5(ATP1A3):c.1663T>C (p.Phe555Leu)

Gene: ATP1A3 (ATPase Na+/K+ transporting subunit alpha 3; minus strand). Cytogenetic location: 19q13.2.
Variant type: single nucleotide variant.
Coding change: c.1663T>C on transcript NM_152296.5 (MANE Select); coding-DNA position 1663, T replaced by C.
Protein change: p.Phe555Leu; replaces phenylalanine 555 with leucine.
Molecular consequence: missense variant.
Genome position (GRCh38, 1-based): chr19:41,978,294, A>G on the plus strand (T>C on the coding strand, the complement: ATP1A3 is on the minus strand). VCF-style: chr19-41978294-A-G. GRCh37 (hg19) VCF-style: chr19-42482446-A-G.
Other names: c.1696T>C, p.Phe566Leu (NM_001256213.2); c.1702T>C, p.Phe568Leu (NM_001256214.2); c.1663T>C (NM_152296.4); short protein forms F555L, F566L, F568L.
Identifiers: ClinVar variation 3345821 (VCV003345821.2).

ClinVar aggregate classification (germline): Uncertain significance. Review status: criteria provided, single submitter (1 of 4 stars). 2 submissions from 2 submitters: Uncertain significance (1). 1 of the submissions does not count toward it. Last evaluated 2026-04-09.

Conditions:
ATP1A3-related disorder. Also called: ATP1A3-related condition; ATP1A3-related disorders. Identifiers: MedGen CN381097.

Submissions (2):

GeneDx
Classification: Uncertain significance. Last evaluated: 2026-04-09. Review status: criteria provided, single submitter. Criteria: GeneDx Variant Classification Process June 2021. Collection method: clinical testing. Allele origin: germline.
Comment: Not observed at significant frequency in large population cohorts (gnomAD); In silico analysis supports that this missense variant has a deleterious effect on protein structure/function; Has not been previously published as pathogenic or benign to our knowledge

PreventionGenetics, part of Exact Sciences
Classification: Uncertain significance for ATP1A3-related condition. Last evaluated: 2024-07-03. Review status: no assertion criteria provided. Collection method: clinical testing. Allele origin: germline. Not counted in ClinVar's aggregate classification.
Comment: The ATP1A3 c.1702T>C variant is predicted to result in the amino acid substitution p.Phe568Leu. To our knowledge, this variant has not been reported in the literature or in a large population database, indicating this variant is rare. At this time, the clinical significance of this variant is uncertain due to the absence of conclusive functional and genetic evidence.